The following is an entry in ClinVar:

ClinVar aggregate classification (germline): Uncertain significance (1 of 4 stars; one submission).

Conditions:
Cryopyrin associated periodic syndrome (CAPS). Identifiers: Orphanet 208650, MedGen C2316212, MONDO:0016168.

gnomAD v4.1: 5 of 1,614,250 alleles (0.00031%); highest among the groups gnomAD compares: Non-Finnish European, 0.00042%; no homozygotes.

Submission:

Labcorp Genetics (formerly Invitae), Labcorp
Classification: Uncertain significance for Cryopyrin associated periodic syndrome. Last evaluated: 2022-12-30. Review status: criteria provided, single submitter. Criteria: Invitae Variant Classification Sherloc (09022015). Collection method: clinical testing. Allele origin: germline.
Comment: In summary, the available evidence is currently insufficient to determine the role of this variant in disease. Therefore, it has been classified as a Variant of Uncertain Significance. Advanced modeling of protein sequence and biophysical properties (such as structural, functional, and spatial information, amino acid conservation, physicochemical variation, residue mobility, and thermodynamic stability) has been performed at Invitae for this missense variant, however the output from this modeling did not meet the statistical confidence thresholds required to predict the impact of this variant on NLRP3 protein function. This variant has not been reported in the literature in individuals affected with NLRP3-related conditions. This variant is not present in population databases (gnomAD no frequency). This sequence change replaces leucine, which is neutral and non-polar, with valine, which is neutral and non-polar, at codon 800 of the NLRP3 protein (p.Leu800Val).

NM_001243133.2(NLRP3):c.2392C>G (p.Leu798Val)

Gene: NLRP3 (NLR family pyrin domain containing 3; plus strand). Cytogenetic location: 1q44.
Variant type: single nucleotide variant.
Coding change: c.2392C>G on transcript NM_001243133.2 (MANE Select); coding-DNA position 2392, C replaced by G.
Protein change: p.Leu798Val; replaces leucine 798 with valine.
Molecular consequence: missense variant.
Genome position (GRCh38, 1-based): chr1:247,434,173, C>G. VCF-style: chr1-247434173-C-G. GRCh37 (hg19) VCF-style: chr1-247597475-C-G.
Other names: c.2392C>G, p.Leu798Val (NM_001079821.3, NM_001127461.3); c.2221C>G, p.Leu741Val (NM_001127462.3, NM_183395.3); c.2398C>G, p.Leu800Val (NM_004895.5); short protein forms L741V, L800V, L798V.
Identifiers: ClinVar variation 2008220 (VCV002008220.4), dbSNP rs756392002, ClinGen allele CA345561081.